The following is an entry in ClinVar:

NM_001365276.2(TNXB):c.5248C>T (p.His1750Tyr)

Gene: TNXB (tenascin XB; minus strand). Cytogenetic location: 6p21.33.
Variant type: single nucleotide variant.
Coding change: c.5248C>T on transcript NM_001365276.2 (MANE Select); coding-DNA position 5248, C replaced by T.
Protein change: p.His1750Tyr; replaces histidine 1750 with tyrosine.
Molecular consequence: missense variant.
Genome position (GRCh38, 1-based): chr6:32,070,157, G>A on the plus strand (C>T on the coding strand, the complement: TNXB is on the minus strand). VCF-style: chr6-32070157-G-A. GRCh37 (hg19) VCF-style: chr6-32037934-G-A.
Other names: c.5989C>T, p.His1997Tyr (NM_001428335.1); c.5248C>T, p.His1750Tyr (NM_019105.8); short protein forms H1750Y, H1997Y.
Identifiers: ClinVar variation 4188717 (VCV004188717.1).

ClinVar aggregate classification (germline): Uncertain significance (1 of 4 stars; one submission).

Conditions:
Cardiovascular phenotype. Identifiers: MedGen CN230736.

gnomAD v4.1: 11 of 1,596,298 alleles (0.00069%); highest among the groups gnomAD compares: Non-Finnish European, 0.00077%; no homozygotes.

Submission:

Ambry Genetics
Classification: Uncertain significance for Cardiovascular phenotype. Last evaluated: 2025-08-20. Review status: criteria provided, single submitter. Criteria: Ambry Variant Classification Scheme 2023. Collection method: clinical testing. Allele origin: germline.
Comment: The p.H1750Y variant (also known as c.5248C>T), located in coding exon 13 of the TNXB gene, results from a C to T substitution at nucleotide position 5248. The histidine at codon 1750 is replaced by tyrosine, an amino acid with similar properties. This amino acid position is conserved. In addition, this alteration is predicted to be tolerated by in silico analysis. Based on the available evidence, the clinical significance of this variant remains unclear.